The following is an entry in ClinVar:

NM_017780.4(CHD7):c.5051-1G>A

Gene: CHD7 (chromodomain helicase DNA binding protein 7; plus strand). Cytogenetic location: 8q12.2.
Variant type: single nucleotide variant.
Coding change: c.5051-1G>A on transcript NM_017780.4 (MANE Select); the canonical splice acceptor site of the intron before coding-DNA position 5051, G replaced by A.
Molecular consequence: splice acceptor variant. On other transcripts: intron variant (1).
Genome position (GRCh38, 1-based): chr8:60,845,249, G>A. VCF-style: chr8-60845249-G-A. GRCh37 (hg19) VCF-style: chr8-61757808-G-A.
Other names: c.1717-16980G>A (NM_001316690.1).
Identifiers: ClinVar variation 802410 (VCV000802410.3), dbSNP rs1586432203, ClinGen allele CA371320215.

ClinVar aggregate classification (germline): Conflicting classifications of pathogenicity. Review status: criteria provided, conflicting classifications (1 of 4 stars). 3 submissions from 3 submitters: Pathogenic (2); Likely benign (1). Last evaluated 2024-09-20.

Conditions:
CHARGE syndrome (CHARGE). Also called: Hittner Hirsch Kreh syndrome; CHARGE ASSOCIATION--COLOBOMA, HEART ANOMALY, CHOANAL ATRESIA, RETARDATION, GENITAL AND EAR ANOMALIES; Coloboma, heart anomaly, choanal atresia, retardation, genital and ear anomalies; CHARGE association; Hall-Hittner syndrome. Identifiers: Orphanet 138, MedGen C0265354, MONDO:0008965.
Hypogonadotropic hypogonadism 5 with or without anosmia (KAL5). Also called: HYPOGONADOTROPIC HYPOGONADISM 5 WITH ANOSMIA; HYPOGONADOTROPHIC HYPOGONADISM 5 WITHOUT ANOSMIA; CHD7-Related GnRH Deficiency (Kallmann Syndrome 5). Identifiers: Orphanet 478, MedGen C3552553, MONDO:0012880, OMIM 612370. Disease mechanism: loss of function.

Submissions (3):

3billion
Classification: Likely benign for CHD7-related CHARGE syndrome; Hypogonadotropic hypogonadism 5 with or without anosmia. Last evaluated: 2024-09-20. Review status: criteria provided, single submitter. Criteria: ACMG Guidelines, 2015. Collection method: clinical testing. Allele origin: germline. Affected: no.
Comment: The variant was identified in at least one patient who was diagnosed with a different variant in another gene and showed no symptoms related to the gene containing the variant in question.

Mayo Clinic Laboratories, Mayo Clinic
Classification: Pathogenic. Last evaluated: 2024-05-04. Review status: criteria provided, single submitter. Criteria: ACMG Guidelines, 2015. Collection method: clinical testing. Allele origin: germline. Observed: 1 variant allele.
Comment: PP3, PM2_moderate, PS4_moderate, PVS1

Mendelics
Classification: Pathogenic for CHD7-related CHARGE syndrome. Last evaluated: 2019-05-28. Review status: criteria provided, single submitter. Criteria: Mendelics Assertion Criteria 2017. Collection method: clinical testing. Allele origin: unknown.

Literature cited by the submitters: PubMed 29368431 (cited by Mayo Clinic Laboratories, Mayo Clinic).